The following is an entry in ClinVar:

ClinVar aggregate classification (germline): Uncertain significance (1 of 4 stars; one submission).

Conditions:
RYR1-related disorder. Also called: RYR1-related disorders; RYR1-related condition. Identifiers: MedGen CN239331.

Submission:

PreventionGenetics, part of Exact Sciences
Classification: Uncertain significance for RYR1-related condition. Last evaluated: 2025-02-19. Review status: criteria provided, single submitter. Criteria: ACMG Guidelines, 2015. Collection method: clinical testing. Allele origin: germline.
Comment: The RYR1 c.1171C>G variant is predicted to result in the amino acid substitution p.Arg391Gly. To our knowledge, this variant has not been reported in the literature or in a large population database (gnomAD), indicating this variant is rare. At this time, the clinical significance of this variant is uncertain due to the absence of conclusive functional and genetic evidence.

NM_000540.3(RYR1):c.1171C>G (p.Arg391Gly)

Gene: RYR1 (ryanodine receptor 1; plus strand). Cytogenetic location: 19q13.2.
Variant type: single nucleotide variant.
Coding change: c.1171C>G on transcript NM_000540.3 (MANE Select); coding-DNA position 1171, C replaced by G.
Protein change: p.Arg391Gly; replaces arginine 391 with glycine.
Molecular consequence: missense variant.
Genome position (GRCh38, 1-based): chr19:38,451,812, C>G. VCF-style: chr19-38451812-C-G. GRCh37 (hg19) VCF-style: chr19-38942452-C-G.
Other names: c.1171C>G, p.Arg391Gly (NM_001042723.2); short protein forms R391G.
Identifiers: ClinVar variation 5001080 (VCV005001080.1).
Genomic context (GRCh38, chr19:38,451,812, plus strand): 5'-CCCCACTCCTAGGCCATGCTGCACCAGGAGGGCCACATGGACGACGCACTGTCGCTGACC[C>G]GCTGCCAGCAGGAGGAGTCCCAGGCCGCCCGCATGATCCACAGCACCAATGGCCTATACA-3'
Protein context (NP_000531.2, residues 381-401): GHMDDALSLT[Arg391Gly]CQQEESQAAR